The following is an entry in ClinVar:

ClinVar aggregate classification (germline): Uncertain significance. Review status: reviewed by expert panel (3 of 4 stars). 2 submissions from 2 submitters: Uncertain significance (1). 1 of the submissions does not count toward it. Last evaluated 2021-05-28.

Conditions:
Phenylketonuria (PKU). Also called: Phenylketonuria (PKU); OLIGOPHRENIA PHENYLPYRUVICA; FOLLING DISEASE; Phenylketonurias. Identifiers: Orphanet 716, MedGen C0031485, MONDO:0009861, OMIM 261600. Disease mechanism: loss of function.

Submissions (2):

ClinGen PAH Variant Curation Expert Panel
Classification: Uncertain significance for Phenylketonuria. Last evaluated: 2021-05-28. Review status: reviewed by expert panel. Criteria: ClinGen PAH ACMG Specifications v1. Collection method: curation. Allele origin: germline. Inheritance: Autosomal recessive inheritance.
Comment: BH4 deficiency not reportedly ruled out. The patient is deceased and was not available for genotyping, but each parent was a heterozygous carrier of this variant. (PMID: 24130151) This variant is absent from 1000G, ESP, ExAC and gnomAD. Computational evidence is conflicting. The p.Glu368Lys variant is interpreted as Pathogenic by 1 submitter in ClinVar, and as likely pathogenic by PAH VCEP. In summary, this variant meets criteria to be classified as uncertain significance for PAH. PAH-specific ACMG/AMP criteria applied: PM2.

GeneDx
Classification: Likely pathogenic. Last evaluated: 2025-07-10. Review status: criteria provided, single submitter. Criteria: GeneDx Variant Classification Process June 2021. Collection method: clinical testing. Allele origin: germline. Affected: yes. Not counted in ClinVar's aggregate classification.
Comment: Observed in the heterozygous state in the parents of a patient with classic PKU, however the proband for this family was not available for testing (PMID: 24130151); Not observed at significant frequency in large population cohorts (gnomAD); In silico analysis supports that this missense variant has a deleterious effect on protein structure/function; This variant is associated with the following publications: (PMID: 24130151)

NM_000277.3(PAH):c.1103A>G (p.Glu368Gly)

Gene: PAH (phenylalanine hydroxylase; minus strand). Cytogenetic location: 12q23.2.
Variant type: single nucleotide variant.
Coding change: c.1103A>G on transcript NM_000277.3 (MANE Select); coding-DNA position 1103, A replaced by G.
Protein change: p.Glu368Gly; replaces glutamic acid 368 with glycine.
Molecular consequence: missense variant.
Genome position (GRCh38, 1-based): chr12:102,843,742, T>C on the plus strand (A>G on the coding strand, the complement: PAH is on the minus strand). VCF-style: chr12-102843742-T-C. GRCh37 (hg19) VCF-style: chr12-103237520-T-C.
Other names: c.1103A>G, p.Glu368Gly (NM_001354304.2); c.1103A>G (NM_000277.1); short protein forms E368G.
Identifiers: ClinVar variation 1185012 (VCV001185012.2), dbSNP rs2136635784, ClinGen allele CA16020940.
Genomic context (GRCh38, chr12:102,843,742, plus strand): 5'-ACGTAATAGAGGGGCTGGAACTCCGTGACAGTGTAATTTTGGATGGCTGTCTTCTCCAGC[T>C]CCAGGGGGAGAAGCTTTGGCTTCTCTGATAAGCAGTACTGTAGGCCCCAAGTGAAAAGTT-3'
Protein context (NP_000268.1, residues 358-378): LSEKPKLLPL[Glu368Gly]LEKTAIQNYT